The following is an entry in ClinVar:

ClinVar aggregate classification (germline): Uncertain significance. Review status: criteria provided, multiple submitters, no conflicts (2 of 4 stars). 3 submissions from 3 submitters: Uncertain significance (3). Last evaluated 2025-08-21.

Conditions:
Emery-Dreifuss muscular dystrophy 4, autosomal dominant (EDMD4). Also called: EMERY-DREIFUSS MUSCULAR DYSTROPHY 4 WITH VARIABLE FEATURES. Identifiers: Orphanet 261, MedGen C2751807, MONDO:0013071, OMIM 612998.
Autosomal recessive ataxia, Beauce type. Also called: Spinocerebellar ataxia, autosomal recessive 8; ATAXIA, RECESSIVE, OF BEAUCE; SYNE1-Related Autosomal Recessive Cerebellar Ataxia; SYNE1 Deficiency. Identifiers: Orphanet 88644, MedGen C1853116, MONDO:0012549, OMIM 610743.

Allele frequency attached by ClinVar (database versions not stated): ExAC 0.00001; gnomAD 0.00001 and 0.00002; gnomAD exomes 0.00001 and 0.00002; TOPMed 0.00003; 1000 Genomes Project 30x 0.00016; 1000 Genomes Project 0.00020.
gnomAD v4.1: 20 of 1,614,074 alleles (0.0012%); highest among the groups gnomAD compares: East Asian, 0.011%; no homozygotes.

Submissions (3):

Labcorp Genetics (formerly Invitae), Labcorp
Classification: Uncertain significance for Emery-Dreifuss muscular dystrophy 4, autosomal dominant; Autosomal recessive ataxia, Beauce type. Last evaluated: 2025-08-21. Review status: criteria provided, single submitter. Criteria: Invitae Variant Classification Sherloc (09022015). Collection method: clinical testing. Allele origin: germline.
Comment: This sequence change replaces arginine, which is basic and polar, with cysteine, which is neutral and slightly polar, at codon 6183 of the SYNE1 protein (p.Arg6183Cys). This variant is present in population databases (rs139449273, gnomAD 0.01%). This variant has not been reported in the literature in individuals affected with SYNE1-related conditions. ClinVar contains an entry for this variant (Variation ID: 471011). An algorithm developed to predict the effect of missense changes on protein structure and function (PolyPhen-2) suggests that this variant is likely to be disruptive. In summary, the available evidence is currently insufficient to determine the role of this variant in disease. Therefore, it has been classified as a Variant of Uncertain Significance.

Blueprint Genetics
Classification: Uncertain significance. Last evaluated: 2024-08-29. Review status: criteria provided, single submitter. Criteria: ACMG Guidelines, 2015. Collection method: clinical testing. Allele origin: germline.

Revvity Omics, Revvity
Classification: Uncertain significance. Last evaluated: 2020-02-01. Review status: criteria provided, single submitter. Criteria: ACMG Guidelines, 2015. Collection method: clinical testing. Allele origin: germline.

NM_182961.4(SYNE1):c.18760C>T (p.Arg6254Cys)

Gene: SYNE1 (spectrin repeat containing nuclear envelope protein 1; minus strand). Cytogenetic location: 6q25.2.
Variant type: single nucleotide variant.
Coding change: c.18760C>T on transcript NM_182961.4 (MANE Select); coding-DNA position 18760, C replaced by T.
Protein change: p.Arg6254Cys; replaces arginine 6254 with cysteine.
Molecular consequence: missense variant.
Genome position (GRCh38, 1-based): chr6:152,268,111, G>A on the plus strand (C>T on the coding strand, the complement: SYNE1 is on the minus strand). VCF-style: chr6-152268111-G-A. GRCh37 (hg19) VCF-style: chr6-152589246-G-A.
Other names: c.18547C>T, p.Arg6183Cys (NM_033071.5); short protein forms R6183C, R6254C.
Identifiers: ClinVar variation 471011 (VCV000471011.13), dbSNP rs139449273, ClinGen allele CA4054864.
Genomic context (GRCh38, chr6:152,268,111, plus strand): 5'-CATACCCAGCATCACCAGAGGTCTCTGCCGCCGAATGTTGAATTAGAATCTCCTCTCCAC[G>A]ACTGGCTACTGAGCGAAGGAGACTCTTCTGCTCGGCTAATTCCTGTTCTAACTCCTGCTC-3'
Protein context (NP_892006.3, residues 6244-6264): QKSLLRSVAS[Arg6254Cys]GEEILIQHSA